The following is an entry in ClinVar:

NM_001374353.1(GLI2):c.3612C>T (p.Tyr1204=)

Gene: GLI2 (GLI family zinc finger 2; plus strand). Cytogenetic location: 2q14.2.
Variant type: single nucleotide variant.
Coding change: c.3612C>T on transcript NM_001374353.1 (MANE Select); coding-DNA position 3612, C replaced by T.
Protein change: p.Tyr1204=; no amino-acid change (tyrosine 1204 retained).
Molecular consequence: synonymous variant.
Genome position (GRCh38, 1-based): chr2:120,989,577, C>T. VCF-style: chr2-120989577-C-T. GRCh37 (hg19) VCF-style: chr2-121747153-C-T.
Other names: c.3663C>T (NM_005270.4); c.3663C>T, p.Tyr1221= (NM_001371271.1, NM_005270.5); c.3237C>T, p.Tyr1079= (NM_001374354.1).
Identifiers: ClinVar variation 2948284 (VCV002948284.5), dbSNP rs1398692621, ClinGen allele CA428750027.

ClinVar aggregate classification (germline): Likely benign. Review status: criteria provided, single submitter (1 of 4 stars). 2 submissions from 2 submitters: Likely benign (1). 1 of the submissions does not count toward it. Last evaluated 2023-06-24.

Conditions:
Postaxial polydactyly-anterior pituitary anomalies-facial dysmorphism syndrome. Also called: Culler-Jones syndrome. Identifiers: Orphanet 420584, MedGen C4014479, MONDO:0014369, OMIM 615849.
Holoprosencephaly 9 (HPE9). Also called: PITUITARY ANOMALIES WITH HOLOPROSENCEPHALY-LIKE FEATURES; HOLOPROSENCEPHALY WITH MICROPHTHALMIA AND FIRST BRANCHIAL ARCH ANOMALIES. Identifiers: Orphanet 2162, MedGen C1835819, MONDO:0012563, OMIM 610829.
GLI2-related disorder. Also called: GLI2-related disorders; GLI2-related condition.

Allele frequency attached by ClinVar (database versions not stated): TOPMed 0.00001.

Submissions (2):

Labcorp Genetics (formerly Invitae), Labcorp
Classification: Likely benign for Postaxial polydactyly-anterior pituitary anomalies-facial dysmorphism syndrome; Holoprosencephaly 9. Last evaluated: 2023-06-24. Review status: criteria provided, single submitter. Criteria: Invitae Variant Classification Sherloc (09022015). Collection method: clinical testing. Allele origin: germline.

PreventionGenetics, part of Exact Sciences
Classification: Likely benign for GLI2-related condition. Last evaluated: 2019-02-20. Review status: no assertion criteria provided. Collection method: clinical testing. Allele origin: germline. Not counted in ClinVar's aggregate classification.
Comment: This variant is classified as likely benign based on ACMG/AMP sequence variant interpretation guidelines (Richards et al. 2015 PMID: 25741868, with internal and published modifications).